The following is an entry in ClinVar:

ClinVar aggregate classification (germline): Conflicting classifications of pathogenicity. Review status: criteria provided, conflicting classifications (1 of 4 stars). 3 submissions from 3 submitters: Uncertain significance (2); Likely benign (1). Last evaluated 2026-01-08.

Conditions:
Spondyloepimetaphyseal dysplasia, aggrecan type. Also called: SEMD, AGGRECAN TYPE. Identifiers: Orphanet 171866, MedGen C2748544, MONDO:0013014, OMIM 612813.
Inborn genetic diseases. Identifiers: MedGen C0950123, MeSH D030342.

Allele frequency attached by ClinVar (database versions not stated): TOPMed 0.00007.
gnomAD v4.1: 50 of 1,584,272 alleles (0.0032%); highest among the groups gnomAD compares: Admixed American, 0.087%; no homozygotes.

Submissions (3):

Labcorp Genetics (formerly Invitae), Labcorp
Classification: Likely benign. Last evaluated: 2026-01-08. Review status: criteria provided, single submitter. Criteria: Invitae Variant Classification Sherloc (09022015). Collection method: clinical testing. Allele origin: germline.

Ambry Genetics
Classification: Uncertain significance for Inborn genetic diseases. Last evaluated: 2025-02-06. Review status: criteria provided, single submitter. Criteria: Ambry Variant Classification Scheme 2023. Collection method: clinical testing. Allele origin: germline.

Baylor Genetics
Classification: Uncertain significance for Spondyloepimetaphyseal dysplasia, aggrecan type. Last evaluated: 2019-03-08. Review status: criteria provided, single submitter. Criteria: ACMG Guidelines, 2015. Collection method: clinical testing. Allele origin: maternal. Affected: yes.
Comment: This variant was determined to be of uncertain significance according to ACMG Guidelines, 2015 [PMID:25741868].

NM_001369268.1(ACAN):c.1575C>G (p.Asp525Glu)

Gene: ACAN (aggrecan; plus strand). Cytogenetic location: 15q26.1.
Variant type: single nucleotide variant.
Coding change: c.1575C>G on transcript NM_001369268.1 (MANE Select); coding-DNA position 1575, C replaced by G.
Protein change: p.Asp525Glu; replaces aspartic acid 525 with glutamic acid.
Molecular consequence: missense variant.
Genome position (GRCh38, 1-based): chr15:88,847,388, C>G. VCF-style: chr15-88847388-C-G. GRCh37 (hg19) VCF-style: chr15-89390619-C-G.
Other names: c.1575C>G, p.Asp525Glu (NM_001135.4, NM_013227.4); short protein forms D525E.
Identifiers: ClinVar variation 1027792 (VCV001027792.10), dbSNP rs367724066, ClinGen allele CA7719593.
Genomic context (GRCh38, chr15:88,847,388, plus strand): 5'-GGTCATTGCCTCGCCGGAGCAGCTCCAGGCCGCCTACGAAGCAGGCTATGAGCAGTGTGA[C>G]GCCGGCTGGCTGCGGGACCAGACCGTCAGGTGAAGCCATGCTCCTCGCCCAGCCCAAACC-3'
Protein context (NP_001356197.1, residues 515-535): AAYEAGYEQC[Asp525Glu]AGWLRDQTVR